The following is an entry in ClinVar:

ClinVar aggregate classification (germline): Uncertain significance (1 of 4 stars; one submission).

Conditions:
Cardiovascular phenotype. Identifiers: MedGen CN230736.

Submission:

Ambry Genetics
Classification: Uncertain significance for Cardiovascular phenotype. Last evaluated: 2022-06-14. Review status: criteria provided, single submitter. Criteria: Ambry Variant Classification Scheme 2023. Collection method: clinical testing. Allele origin: germline.
Comment: The p.K97T variant (also known as c.290A>C), located in coding exon 2 of the CASQ2 gene, results from an A to C substitution at nucleotide position 290. The lysine at codon 97 is replaced by threonine, an amino acid with similar properties. This amino acid position is conserved. In addition, this alteration is predicted to be tolerated by in silico analysis. Since supporting evidence is limited at this time, the clinical significance of this alteration remains unclear.

NM_001232.4(CASQ2):c.290A>C (p.Lys97Thr)

Gene: CASQ2 (calsequestrin 2; minus strand). Cytogenetic location: 1p13.1.
Variant type: single nucleotide variant.
Coding change: c.290A>C on transcript NM_001232.4 (MANE Select); coding-DNA position 290, A replaced by C.
Protein change: p.Lys97Thr; replaces lysine 97 with threonine.
Molecular consequence: missense variant.
Genome position (GRCh38, 1-based): chr1:115,744,857, T>G on the plus strand (A>C on the coding strand, the complement: CASQ2 is on the minus strand). VCF-style: chr1-115744857-T-G. GRCh37 (hg19) VCF-style: chr1-116287478-T-G.
Other names: short protein forms K97T.
Identifiers: ClinVar variation 1797549 (VCV001797549.2), dbSNP rs2526031875, ClinGen allele CA341765358.